The following is an entry in ClinVar:

ClinVar aggregate classification (germline): Likely benign (0 of 4 stars; one submission).

Conditions:
DRD4-related disorder. Also called: DRD4-related condition.

Allele frequency attached by ClinVar (database versions not stated): ESP Exome Variant Server 0.00077; 1000 Genomes Project 30x 0.00125; 1000 Genomes Project 0.00140.
gnomAD v4.1: 191 of 1,599,838 alleles (0.012%); highest among the groups gnomAD compares: African/African-American, 0.24%; 2 homozygotes.

Submission:

PreventionGenetics, part of Exact Sciences
Classification: Likely benign for DRD4-related condition. Last evaluated: 2019-08-12. Review status: no assertion criteria provided. Collection method: clinical testing. Allele origin: germline.
Comment: This variant is classified as likely benign based on ACMG/AMP sequence variant interpretation guidelines (Richards et al. 2015 PMID: 25741868, with internal and published modifications).

NM_000797.4(DRD4):c.1235G>T (p.Arg412Leu)

Gene: DRD4 (dopamine receptor D4; plus strand). Cytogenetic location: 11p15.5.
Variant type: single nucleotide variant.
Coding change: c.1235G>T on transcript NM_000797.4 (MANE Select); coding-DNA position 1235, G replaced by T.
Protein change: p.Arg412Leu; replaces arginine 412 with leucine.
Molecular consequence: missense variant.
Genome position (GRCh38, 1-based): chr11:640,578, G>T. VCF-style: chr11-640578-G-T. GRCh37 (hg19) VCF-style: chr11-640578-G-T.
Other names: short protein forms R412L.
Identifiers: ClinVar variation 3034636 (VCV003034636.2), dbSNP rs115232659, ClinGen allele CA5786029.
Genomic context (GRCh38, chr11:640,578, plus strand): 5'-ACAGCGCCCTCAACCCCGTCATCTACACTGTCTTCAACGCCGAGTTCCGCAACGTCTTCC[G>T]CAAGGCCCTGCGTGCCTGCTGCTGAGCCGGGCACCCCCGGACGCCCCCCGGCCTGATGGC-3'
Protein context (NP_000788.2, residues 402-419): VFNAEFRNVF[Arg412Leu]KALRACC